The following is an entry in ClinVar:

ClinVar aggregate classification (germline): Uncertain significance (1 of 4 stars; one submission).

Conditions:
Familial adenomatous polyposis 1 (FAP1). Also called: POLYPOSIS, ADENOMATOUS INTESTINAL; FAMILIAL ADENOMATOUS POLYPOSIS 1, ATTENUATED. Identifiers: MedGen C2713442, MONDO:0021056, OMIM 175100. Disease mechanism: loss of function.

gnomAD v4.1: 1 of 1,614,138 alleles (0.000062%); highest among the groups gnomAD compares: Non-Finnish European, 0.000085%; no homozygotes.

Submission:

Labcorp Genetics (formerly Invitae), Labcorp
Classification: Uncertain significance for Familial adenomatous polyposis 1. Last evaluated: 2021-10-28. Review status: criteria provided, single submitter. Criteria: Invitae Variant Classification Sherloc (09022015). Collection method: clinical testing. Allele origin: germline.
Comment: In summary, the available evidence is currently insufficient to determine the role of this variant in disease. Therefore, it has been classified as a Variant of Uncertain Significance. Algorithms developed to predict the effect of missense changes on protein structure and function are either unavailable or do not agree on the potential impact of this missense change (SIFT: "Deleterious"; PolyPhen-2: "Possibly Damaging"; Align-GVGD: "Class C0"). ClinVar contains an entry for this variant (Variation ID: 469751). This variant has not been reported in the literature in individuals affected with APC-related conditions. This variant is not present in population databases (gnomAD no frequency). This sequence change replaces serine, which is neutral and polar, with tyrosine, which is neutral and polar, at codon 844 of the APC protein (p.Ser844Tyr).

NM_000038.6(APC):c.2531C>A (p.Ser844Tyr)

Gene: APC (APC regulator of Wnt signaling pathway; plus strand). Cytogenetic location: 5q22.2.
Variant type: single nucleotide variant.
Coding change: c.2531C>A on transcript NM_000038.6 (MANE Select); coding-DNA position 2531, C replaced by A.
Protein change: p.Ser844Tyr; replaces serine 844 with tyrosine.
Molecular consequence: missense variant.
Genome position (GRCh38, 1-based): chr5:112,838,125, C>A. VCF-style: chr5-112838125-C-A. GRCh37 (hg19) VCF-style: chr5-112173822-C-A.
Other names: c.2531C>A, p.Ser844Tyr (NM_001127510.3, NM_001354895.2); c.2477C>A, p.Ser826Tyr (NM_001127511.3); c.2585C>A, p.Ser862Tyr (NM_001354896.2); c.2561C>A, p.Ser854Tyr (NM_001354897.2); c.2456C>A, p.Ser819Tyr (NM_001354898.2); c.2447C>A, p.Ser816Tyr (NM_001354899.2); c.2408C>A, p.Ser803Tyr (NM_001354900.2); c.2354C>A, p.Ser785Tyr (NM_001354901.2); and 5 more; short protein forms S844Y, S826Y, S561Y, S684Y, S803Y, S753Y, S785Y, S819Y.
Identifiers: ClinVar variation 469751 (VCV000469751.10), dbSNP rs1554084247, ClinGen allele CA16026878.
Genomic context (GRCh38, chr5:112,838,125, plus strand): 5'-CATATTTGAATACTACAGTGTTACCCAGCTCCTCTTCATCAAGAGGAAGCTTAGATAGTT[C>A]TCGTTCTGAAAAAGATAGAAGTTTGGAGAGAGAACGCGGAATTGGTCTAGGCAACTACCA-3'
Protein context (NP_000029.2, residues 834-854): SSSSRGSLDS[Ser844Tyr]RSEKDRSLER